The following is an entry in ClinVar:

NC_000022.11:g.40345621TTTA[2]

Gene: ADSL (adenylosuccinate lyase; plus strand). Cytogenetic location: 22q13.1.
Variant type: Microsatellite.
Genome position: GRCh38 VCF-style: chr22-40345618-CTATT-C. GRCh37 (hg19) VCF-style: chr22-40741622-CTATT-C.
Identifiers: ClinVar variation 1351963 (VCV001351963.5), dbSNP rs2044109357, ClinGen allele CA2405715412.

ClinVar aggregate classification (germline): Uncertain significance (1 of 4 stars; one submission).

Conditions:
Adenylosuccinate lyase deficiency (ADSLD). Also called: ADSL DEFICIENCY. Identifiers: Orphanet 46, MedGen C0268126, MONDO:0007068, OMIM 103050.

Submission:

Labcorp Genetics (formerly Invitae), Labcorp
Classification: Uncertain significance for Adenylosuccinate lyase deficiency. Last evaluated: 2024-06-22. Review status: criteria provided, single submitter. Criteria: Invitae Variant Classification Sherloc (09022015). Collection method: clinical testing. Allele origin: germline.
Comment: This variant occurs in a non-coding region of the ADSL gene. It does not change the encoded amino acid sequence of the ADSL protein. This variant is not present in population databases (gnomAD no frequency). This variant has not been reported in the literature in individuals affected with ADSL-related conditions. Experimental studies and prediction algorithms are not available or were not evaluated, and the functional significance of this variant is currently unknown. In summary, the available evidence is currently insufficient to determine the role of this variant in disease. Therefore, it has been classified as a Variant of Uncertain Significance.